The following continues an entry in ClinVar:

NM_000126.4(ETFA):c.797C>T (p.Thr266Met)

Gene: ETFA. ClinVar aggregate classification (germline): Pathogenic. Pathogenic (14).

Submissions 12 to 16 of 16:

GeneDx
Classification: Pathogenic. Last evaluated: 2020-09-30. Review status: criteria provided, single submitter. Criteria: GeneDx Variant Classification Process June 2021. Collection method: clinical testing. Allele origin: germline. Affected: yes.
Comment: Expression studies demonstrate a decrease in enzyme activity (Salazar et al., 1997); Not observed at a significant frequency in large population cohorts (gnomAD); In silico analysis supports that this missense variant has a deleterious effect on protein structure/function; This variant is associated with the following publications: (PMID: 2320399, 16510302, 12815589, 11524729, 32778825, 20674745, 1430199, 9334218, 26409463, 18289905, 20151199, 31331668, 31268564, 31980526, 34470039, 34426522, 31904027)

Illumina Laboratory Services, Illumina
Classification: Pathogenic for Multiple acyl-CoA dehydrogenase deficiency. Last evaluated: 2017-04-28. Review status: criteria provided, single submitter. Criteria: ICSL Variant Classification Criteria 09 May 2019. Collection method: clinical testing. Allele origin: germline.
Comment: The EFTA c.797C>T (p.Thr266Met) missense variant has been described in three studies in which it is found in a total of six patients with multiple acyl-CoA dehydrogenase deficiency, including in two in a homozygous state, in three in a compound heterozygous state, and in one in a heterozygous state (Freneaux et. al. 1992; Olsen et. al. 2003; Pontoizeau et al. 2015). The p.Thr266Met was absent from 54 controls and is reported at a frequency of 0.00008 in the European (non-Finnish) population of the Exome Aggregation Consortium. The Thr266 residue is conserved. Functional studies demonstrated that the p.Thr266Met variant protein showed an altered flavin environment and reduced enzyme activity (Salazar et. al. 1997). Fatty acid oxidation assays in patient fibroblasts showed the variant resulted in a severely defective beta-oxidation flux, with 3% to 26% of oxidation compared to controls (Freneaux et al. 1992; Olsen et. al. 2003). Based on the evidence, the p.Thr266Met variant is classified as pathogenic for multiple acyl-CoA dehydrogenase deficiency. This variant was observed by ICSL as part of a predisposition screen in an ostensibly healthy population.

Eurofins Ntd Llc (ga)
Classification: Pathogenic. Last evaluated: 2016-04-20. Review status: criteria provided, single submitter. Criteria: EGL Classification Definitions 2015. Collection method: clinical testing. Allele origin: germline. Observed: 3 variant alleles, 2 heterozygotes, 1 homozygote.

PreventionGenetics, part of Exact Sciences
Classification: Pathogenic for ETFA-related condition. Last evaluated: 2024-01-31. Review status: no assertion criteria provided. Collection method: clinical testing. Allele origin: germline. Not counted in ClinVar's aggregate classification.
Comment: The ETFA c.797C>T variant is predicted to result in the amino acid substitution p.Thr266Met. This variant is the most commonly reported ETFA pathogenic variant that is causative for glutaric acidemia type II; it has been reported in the homozygous or compound heterozygous state with a second pathogenic variant in multiple affected patients (e.g., Schiff et al. 2006. PubMed ID: 16510302; Yıldız et al. 2019. PubMed ID: 31331668; van Rijt et al. 2020. PubMed ID: 31904027). The p.Thr266Met amino acid substitution has been reported to disrupt the FAD binding site, and results in a great decrease in ETF activity (Schiff et al. 2006. PubMed ID: 16510302; Henriques et al. 2010. PubMed ID: 20674745). Patients homozygous for the c.797C>T (p.Thr266Met) variant have been reported to present with a severe neonatal form of glutaric acidemia type II (Schiff et al. 2006. PubMed ID: 16510302). Based on these observations, we classify this variant as pathogenic.

OMIM
Classification: Pathogenic for GLUTARIC ACIDEMIA IIA. Last evaluated: 2003-07-01. Review status: no assertion criteria provided. Collection method: literature only. Allele origin: germline. Not counted in ClinVar's aggregate classification.

Literature cited by the submitters: PubMed 1430199 (cited by 8 submitters); PubMed 12815589 (cited by 5 submitters); PubMed 16510302 (cited by 5 submitters); PubMed 26409463 (cited by 6 submitters); PubMed 9334218 (cited by 6 submitters); PubMed 31268564 (cited by 5 submitters); PubMed 38941880 (cited by Variantyx, Inc.); PubMed 31904027 (cited by 3 submitters); PubMed 31331668 (cited by Variantyx, Inc. and Mayo Clinic Laboratories, Mayo Clinic); PubMed 20674745 (cited by Variantyx, Inc. and Mayo Clinic Laboratories, Mayo Clinic); PubMed 29301933 (cited by Ambry Genetics); PubMed 34470039 (cited by Mayo Clinic Laboratories, Mayo Clinic).